The following is an entry in ClinVar:

ClinVar aggregate classification (germline): Uncertain significance (1 of 4 stars; one submission).

Conditions:
SALL1-related disorder. Also called: SALL1-related condition.

Submission:

PreventionGenetics, part of Exact Sciences
Classification: Uncertain significance for SALL1-related condition. Last evaluated: 2025-03-05. Review status: criteria provided, single submitter. Criteria: ACMG Guidelines, 2015. Collection method: clinical testing. Allele origin: germline.
Comment: The SALL1 c.3602G>A variant is predicted to result in the amino acid substitution p.Gly1201Asp. To our knowledge, this variant has not been reported in the literature or in a large population database (gnomAD), indicating this variant is rare. At this time, the clinical significance of this variant is uncertain due to the absence of conclusive functional and genetic evidence.

NM_002968.3(SALL1):c.3602G>A (p.Gly1201Asp)

Gene: SALL1 (spalt like transcription factor 1; minus strand). Cytogenetic location: 16q12.1.
Variant type: single nucleotide variant.
Coding change: c.3602G>A on transcript NM_002968.3 (MANE Select); coding-DNA position 3602, G replaced by A.
Protein change: p.Gly1201Asp; replaces glycine 1201 with aspartic acid.
Molecular consequence: missense variant.
Genome position (GRCh38, 1-based): chr16:51,137,485, C>T on the plus strand (G>A on the coding strand, the complement: SALL1 is on the minus strand). VCF-style: chr16-51137485-C-T. GRCh37 (hg19) VCF-style: chr16-51171396-C-T.
Other names: c.3311G>A, p.Gly1104Asp (NM_001127892.2); short protein forms G1104D, G1201D.
Identifiers: ClinVar variation 4985810 (VCV004985810.1).